The following is an entry in ClinVar:

NM_024422.6(DSC2):c.1210T>G (p.Phe404Val)

Gene: DSC2 (desmocollin 2; minus strand). Cytogenetic location: 18q12.1.
Variant type: single nucleotide variant.
Coding change: c.1210T>G on transcript NM_024422.6 (MANE Select); coding-DNA position 1210, T replaced by G.
Protein change: p.Phe404Val; replaces phenylalanine 404 with valine.
Molecular consequence: missense variant.
Genome position (GRCh38, 1-based): chr18:31,082,291, A>C on the plus strand (T>G on the coding strand, the complement: DSC2 is on the minus strand). VCF-style: chr18-31082291-A-C. GRCh37 (hg19) VCF-style: chr18-28662257-A-C.
Other names: c.1210T>G, p.Phe404Val (NM_004949.5); short protein forms F404V.
Identifiers: ClinVar variation 919854 (VCV000919854.3), dbSNP rs1987247302, ClinGen allele CA402109553.

ClinVar aggregate classification (germline): Uncertain significance (1 of 4 stars; one submission).

Conditions:
Cardiomyopathy (CMYO). Also called: Cardiomyopathies. Identifiers: Orphanet 167848, MedGen C0878544, MONDO:0004994, HP:0001638. Inheritance: Various modes of inheritance.

Submission:

Color Diagnostics, LLC DBA Color Health
Classification: Uncertain significance for Cardiomyopathy. Last evaluated: 2021-07-28. Review status: criteria provided, single submitter. Criteria: ACMG Guidelines, 2015. Collection method: clinical testing. Allele origin: germline.
Comment: This missense variant replaces phenylalanine with valine at codon 404 of the DSC2 protein. Computational prediction suggests that this variant may have deleterious impact on protein structure and function (internally defined REVEL score threshold >= 0.7, PMID: 27666373). To our knowledge, functional studies have not been reported for this variant. This variant has not been reported in individuals affected with cardiovascular disorders in the literature. This variant has not been identified in the general population by the Genome Aggregation Database (gnomAD). The available evidence is insufficient to determine the role of this variant in disease conclusively. Therefore, this variant is classified as a Variant of Uncertain Significance.